The following is an entry in ClinVar:

ClinVar aggregate classification (germline): Uncertain significance. Review status: criteria provided, multiple submitters, no conflicts (2 of 4 stars). 5 submissions from 5 submitters: Uncertain significance (5). Last evaluated 2026-08-18.

Conditions:
Hereditary nonpolyposis colorectal neoplasms. Identifiers: MedGen C0009405, MeSH D003123.
Hereditary cancer-predisposing syndrome. Also called: Tumor predisposition; Hereditary neoplastic syndrome; Neoplastic Syndromes, Hereditary; Hereditary Cancer Syndrome. Identifiers: Orphanet 140162, MedGen C0027672, MeSH D009386, MONDO:0015356.

Submissions (5):

Ambry Genetics
Classification: Uncertain significance for Hereditary cancer-predisposing syndrome. Last evaluated: 2026-08-18. Review status: criteria provided, single submitter. Criteria: Ambry Variant Classification Scheme 2023. Collection method: clinical testing. Allele origin: germline.
Comment: The p.I26T variant (also known as c.77T>C), located in coding exon 2 of the PMS2 gene, results from a T to C substitution at nucleotide position 77. The isoleucine at codon 26 is replaced by threonine, an amino acid with similar properties. This amino acid position is highly conserved in available vertebrate species. In addition, this alteration is predicted to be deleterious by in silico analysis. Based on the available evidence, the clinical significance of this variant remains unclear.

Labcorp Genetics (formerly Invitae), Labcorp
Classification: Uncertain significance for Hereditary nonpolyposis colorectal neoplasms. Last evaluated: 2026-02-01. Review status: criteria provided, single submitter. Criteria: Invitae Variant Classification Sherloc (09022015). Collection method: clinical testing. Allele origin: germline.
Comment: This sequence change replaces isoleucine, which is neutral and non-polar, with threonine, which is neutral and polar, at codon 26 of the PMS2 protein (p.Ile26Thr). This variant is not present in population databases (gnomAD no frequency). This variant has not been reported in the literature in individuals affected with PMS2-related conditions. ClinVar contains an entry for this variant (Variation ID: 827263). Invitae Evidence Modeling incorporating data from in vitro experimental studies (internal data) indicates that this missense variant is not expected to disrupt PMS2 function with a negative predictive value of 95%. In summary, the available evidence is currently insufficient to determine the role of this variant in disease. Therefore, it has been classified as a Variant of Uncertain Significance.

Color Diagnostics, LLC DBA Color Health
Classification: Uncertain significance for Hereditary cancer-predisposing syndrome. Last evaluated: 2025-06-17. Review status: criteria provided, single submitter. Criteria: ACMG Guidelines, 2015. Collection method: clinical testing. Allele origin: germline.
Comment: This missense variant replaces isoleucine with threonine at codon 26 of the PMS2 protein. Computational prediction suggests that this variant may have deleterious impact on protein structure and function. To our knowledge, functional studies have not been reported for this variant. This variant has not been reported in individuals affected with PMS2-related disorders in the literature. This variant has not been identified in the general population by the Genome Aggregation Database (gnomAD). The available evidence is insufficient to determine the role of this variant in disease conclusively. Therefore, this variant is classified as a Variant of Uncertain Significance.

Sema4
Classification: Uncertain significance for Hereditary cancer-predisposing syndrome. Last evaluated: 2022-02-15. Review status: criteria provided, single submitter. Criteria: Sema4 Curation Guidelines. Collection method: curation. Allele origin: germline.
Comment: The PMS2 c.77T>C (p.I26T) variant has not been reported in the literature to our knowledge. It was not observed in the large and broad cohorts of the Genome Aggregation Database (PMID: 32461654). The variant has been reported in ClinVar (Variation ID 827263). In silico tools suggest the impact of the variant on protein function is deleterious, though these predictions have not been confirmed by functional studies. The evidence is insufficient to meet ACMG/AMP criteria for classifying the variant as benign or pathogenic. Thus, the clinical significance of this variant is currently uncertain.

Quest Diagnostics Nichols Institute San Juan Capistrano
Classification: Uncertain significance. Last evaluated: 2021-08-31. Review status: criteria provided, single submitter. Criteria: Quest Diagnostics criteria. Collection method: clinical testing. Allele origin: unknown.

NM_000535.7(PMS2):c.77T>C (p.Ile26Thr)

Gene: PMS2 (PMS1 homolog 2, mismatch repair system component; minus strand). Cytogenetic location: 7p22.1.
Variant type: single nucleotide variant.
Coding change: c.77T>C on transcript NM_000535.7 (MANE Select); coding-DNA position 77, T replaced by C.
Protein change: p.Ile26Thr; replaces isoleucine 26 with threonine.
Molecular consequence: missense variant. On other transcripts: 5 prime UTR variant (8), non-coding transcript variant (1), intron variant (3).
Genome position (GRCh38, 1-based): chr7:6,005,978, A>G on the plus strand (T>C on the coding strand, the complement: PMS2 is on the minus strand). VCF-style: chr7-6005978-A-G. GRCh37 (hg19) VCF-style: chr7-6045609-A-G.
Other names: c.-329T>C (NM_001322003.2, NM_001322005.2, NM_001322009.2 and 1 more transcripts); c.77T>C, p.Ile26Thr (NM_001322006.2, NM_001322014.2); c.-139T>C (NM_001322007.2); c.-808T>C (NM_001322011.2, NM_001322012.2); c.-408T>C (NM_001322015.2); c.-52-1920T>C (NM_001322008.2); c.-242-1920T>C (NM_001322010.2, NM_001322004.2); short protein forms I26T.
Identifiers: ClinVar variation 827263 (VCV000827263.20), dbSNP rs1583419301, ClinGen allele CA366745104.